The following is an entry in ClinVar:

ClinVar aggregate classification (germline): Likely pathogenic (1 of 4 stars; one submission).

Conditions:
alpha Thalassemia. Also called: Alpha thalassemia spectrum. Identifiers: Orphanet 846, MedGen C0002312, MONDO:0011399, OMIM 604131.

Submission:

Natera, Inc.
Classification: Likely pathogenic for Alpha thalassemia. Last evaluated: 2025-08-28. Review status: criteria provided, single submitter. Criteria: Natera Variant Classification Schema (03/2026). Collection method: clinical testing. Allele origin: germline.
Comment: The c.230dup variant in HBA1 is a frameshift variant predicted to elongate the protein beyond the termination codon. This variant is expected to result in nonsense mediated decay, truncation, or a dysfunctional protein product. This variant is rare in the general population with a frequency below the threshold expected for the associated phenotype(s). Given the available evidence, this variant is classified as Likely Pathogenic.

NM_000558.5(HBA1):c.230dup (p.Met77fs)

Genes: HBA1 (hemoglobin subunit alpha 1; plus strand), LOC106804613 (hemoglobin subunit alpha 1 recombination region; plus strand). Cytogenetic location: 16p13.3.
Variant type: Duplication.
Coding change: c.230dup on transcript NM_000558.5 (MANE Select); coding-DNA position 230, one base duplicated (T; older notation c.230dupT).
Protein change: p.Met77fs; shifts the reading frame from methionine 77.
Molecular consequence: frameshift variant.
Genome position (GRCh38, 1-based): chr16:177,063, T duplicated. VCF-style (leftmost placement, unchanged base first): chr16-177062-A-AT. GRCh37 (hg19) VCF-style: chr16-227061-A-AT.
Other names: short protein forms M77fs.
Identifiers: ClinVar variation 4814392 (VCV004814392.1).